The following is an entry in ClinVar:

NM_006015.6(ARID1A):c.3869C>T (p.Thr1290Met)

Gene: ARID1A (AT-rich interaction domain 1A; plus strand). Cytogenetic location: 1p36.11.
Variant type: single nucleotide variant.
Coding change: c.3869C>T on transcript NM_006015.6 (MANE Select); coding-DNA position 3869, C replaced by T.
Protein change: p.Thr1290Met; replaces threonine 1290 with methionine.
Molecular consequence: missense variant.
Genome position (GRCh38, 1-based): chr1:26,773,582, C>T. VCF-style: chr1-26773582-C-T. GRCh37 (hg19) VCF-style: chr1-27100073-C-T.
Other names: c.3869C>T, p.Thr1290Met (NM_139135.4); short protein forms T1290M.
Identifiers: ClinVar variation 3608414 (VCV003608414.2).

ClinVar aggregate classification (germline): Uncertain significance (1 of 4 stars; one submission).

gnomAD v4.1: 32 of 1,614,056 alleles (0.002%); highest among the groups gnomAD compares: Middle Eastern, 0.016%; no homozygotes.

Submission:

Labcorp Genetics (formerly Invitae), Labcorp
Classification: Uncertain significance. Last evaluated: 2025-11-05. Review status: criteria provided, single submitter. Criteria: Invitae Variant Classification Sherloc (09022015). Collection method: clinical testing. Allele origin: germline.
Comment: This sequence change replaces threonine, which is neutral and polar, with methionine, which is neutral and non-polar, at codon 1290 of the ARID1A protein (p.Thr1290Met). This variant is present in population databases (rs764041562, gnomAD 0.01%). This variant has not been reported in the literature in individuals affected with ARID1A-related conditions. ClinVar contains an entry for this variant (Variation ID: 3608414). Experimental studies and prediction algorithms are not available or were not evaluated, and the functional significance of this variant is currently unknown. In summary, the available evidence is currently insufficient to determine the role of this variant in disease. Therefore, it has been classified as a Variant of Uncertain Significance.